The following continues an entry in ClinVar:

NM_000113.3(TOR1A):c.904GAG[1] (p.Glu303del)

Gene: TOR1A. ClinVar aggregate classification (germline): Pathogenic/Likely pathogenic. Pathogenic (24); Likely pathogenic (1).

Submissions 9 to 24 of 32:

Variantyx, Inc.
Classification: Pathogenic for Early-onset generalized limb-onset dystonia. Last evaluated: 2025-03-19. Review status: criteria provided, single submitter. Criteria: Variantyx Assertion Criteria 2022. Collection method: clinical testing. Allele origin: paternal.
Comment: This is an inframe deletion variant in the TOR1A gene (OMIM: 605204). Pathogenic variants in this gene have been associated with autosomal dominant torsion dystonia 1. This variant has been reported in several unrelated affected individuals (PMID: 10435508, 11973627, 12481989, 12975293) (PS4). Functional studies have shown that this variant alters TOR1A protein function (PMID: 15028751, 14711988, 1855236, 18940237, 24930953, 26183317) (PS3_Very_Strong). This variant has a 0.0066% maximum allele frequency in non-founder control populations. Inheritance from an unaffected or mildly affected parent has been reported, consistent with incomplete penetrance and variable expressivity (PMID: 12975293). Based on the current evidence, this variant is classified as pathogenic for autosomal dominant torsion dystonia 1.

Greenwood Genetic Center Diagnostic Laboratories, Greenwood Genetic Center
Classification: Pathogenic for TOR1A-related disorder. Last evaluated: 2024-06-24. Review status: criteria provided, single submitter. Criteria: ACMG Guidelines, 2015. Collection method: clinical testing. Allele origin: germline. Affected: yes.
Comment: PS3, PS4, PM4

Baylor Genetics
Classification: Pathogenic for Early-onset generalized limb-onset dystonia. Last evaluated: 2024-02-29. Review status: criteria provided, single submitter. Criteria: ACMG Guidelines, 2015. Collection method: clinical testing. Allele origin: unknown.

Blueprint Genetics
Classification: Pathogenic for TOR1A-related disorders. Last evaluated: 2023-11-15. Review status: criteria provided, single submitter. Criteria: ACMG Guidelines, 2015. Collection method: clinical testing. Allele origin: germline. Affected: yes. Observed: 2 variant alleles.

Neuberg Centre For Genomic Medicine, NCGM
Classification: Pathogenic for Early-onset generalized limb-onset dystonia. Last evaluated: 2023-06-02. Review status: criteria provided, single submitter. Criteria: ACMG Guidelines, 2015. Collection method: clinical testing. Allele origin: germline. Inheritance: Autosomal dominant inheritance. Affected: yes.
Comment: he inframe deletion c.907_909del(p.Glu303del) variant in TOR1A gene has been observed in heterozygous state in individual(s) with early onset primary dystonia (Hettich et. al., 2014; Vulinovic et. al., 2014). In at least one individual the variant was observed to be de novo. Experimental studies have shown that this variant affects TOR1A function (Hettich et. al., 2014; Vulinovic et. al., 201). The observed variant has allele frequency of 0.01% in gnomAD exomes database. This variant has been submitted to the ClinVar database as Likely Pathogenic / Pathogenic (multiple submitters). This p.Glu303del causes deletion of amino acid Glutamic Acid at position 303. For these reasons, this variant has been classified as Pathogenic.

Revvity Omics, Revvity
Classification: Pathogenic. Last evaluated: 2022-09-19. Review status: criteria provided, single submitter. Criteria: ACMG Guidelines, 2015. Collection method: clinical testing. Allele origin: germline.

MGZ Medical Genetics Center
Classification: Pathogenic for Early-onset generalized limb-onset dystonia. Last evaluated: 2022-08-10. Review status: criteria provided, single submitter. Criteria: ACMG Guidelines, 2015. Collection method: clinical testing. Allele origin: germline. Affected: yes. Observed: 1 variant allele.
Comment: ACMG criteria applied: PS3, PS4, PM5, PM2_SUP, PP3

Illumina Laboratory Services, Illumina
Classification: Pathogenic for Early-onset generalized limb-onset dystonia. Last evaluated: 2022-02-15. Review status: criteria provided, single submitter. Criteria: ICSLVariantClassificationCriteria RUGD 01 April 2020. Collection method: clinical testing. Allele origin: unknown.
Comment: The TOR1A c.907_909delGAG (p.Glu303del) variant results in an in-frame deletion of glutamic acid at amino acid position 303. This variant is the most common variant found in individuals with early-onset primary dystonia (Ozelius et al. 1997; Ozelius et al. 2016). Across a selection of the available literature, the p.Glu303del variant has been identified in at least 80 individuals with early-onset dystonia, including at least 78 individuals in a heterozygous state and two in a homozygous state (Ozelius et al. 1997; Klein et al. 1998; Hjermind et al. 2002; Saunders-Pullman et al. 2014; Reichert et al. 2017; Kariminejad et al. 2017; Ma et al. 2018). Of these, the variant occurred in a de novo state in at least three individuals (Klein et al. 1998; Hjermind et al. 2002). The highest frequency of this allele in the Genome Aggregation Database is 0.001729 in the Ashkenazi Jewish population (version 3.1.2). This frequency is high but is consistent with reduced penetrance, estimated at 30 to 40 percent, and with the p.Glu303del variant noted to be a founder variant (Ozelius et al. 1997; Ozelius et al. 2016). In vitro analysis of the p.Glu303del variant in BHK21 cells, neurons, and patient fibroblasts demonstrated altered cellular localization and formation of spheroid bodies in the nuclear envelope (Goodchild et al. 2008). Overexpression of the p.Glu303del variant in mice demonstrated significant recapitulation of phenotypes, behaviors, age of onset, and biochemical alterations that are found in affected individuals (Shashidharan et al. 2005). Based on the available evidence, the c.907_909delGAG (p.Glu303del) variant is classified as pathogenic for early onset primary dystonia.

Fulgent Genetics
Classification: Pathogenic for Early-onset generalized limb-onset dystonia; Arthrogryposis multiplex congenita 5. Last evaluated: 2021-10-15. Review status: criteria provided, single submitter. Criteria: ACMG Guidelines, 2015. Collection method: clinical testing. Allele origin: unknown.

Institute of Medical Genetics and Applied Genomics, University Hospital Tübingen
Classification: Pathogenic. Last evaluated: 2021-06-17. Review status: criteria provided, single submitter. Criteria: ACMG Guidelines, 2015. Collection method: clinical testing. Allele origin: germline. Inheritance: Autosomal dominant inheritance. Affected: yes.

GeneDx
Classification: Pathogenic. Last evaluated: 2020-06-09. Review status: criteria provided, single submitter. Criteria: GeneDx Variant Classification Process June 2021. Collection method: clinical testing. Allele origin: germline. Affected: yes.
Comment: Observed with a TOR1A variant on the opposite allele (in trans) in a patient with arthrogryposis in published literature (Reichert et al., 2017); Published functional studies demonstrate that c.907_909delGAG results in abnormal cellular localization and aggregation of the misfolded protein (Gordon et al., 2008; Hettich et al., 2014); In-frame deletion of 1 amino acids in a non-repeat region; In silico analysis, which includes protein predictors and evolutionary conservation, supports a deleterious effect This variant is associated with the following publications: (PMID: 31447099, 32243914, 31130284, 28432771, 29111010, 29801903, 31737037, 31347572, 29188619, 28102337, 27490483, 28516161, 29053766, 11973627, 24500857, 16773641, 27666935, 18519876, 22976004, 22770546, 22226333, 19651773, 26183317, 24951854, 25403864, 27123488, 9288096, 18940237, 19339278, 24931141, 24930953, 27939583)

Institute of Human Genetics Munich, TUM University Hospital
Classification: Pathogenic for Early-onset generalized limb-onset dystonia. Last evaluated: 2019-06-13. Review status: criteria provided, single submitter. Criteria: Classification criteria August 2017. Collection method: clinical testing. Allele origin: germline, maternal, paternal. Inheritance: Autosomal dominant inheritance. Affected: yes. Observed: 7 variant alleles. Clinical features observed: Dystonic disorder (HP:0001332), Generalized dystonia (HP:0007325), Arm dystonia (HP:0031960), Tremor (HP:0001337), Limb dystonia (HP:0002451), Limb tremor (HP:0200085).

Human Genome Sequencing Center Clinical Lab, Baylor College of Medicine
Classification: Pathogenic for Dystonia-1, torsion. Last evaluated: 2018-08-13. Review status: criteria provided, single submitter. Criteria: ACMG Guidelines, 2015. Collection method: clinical testing. Allele origin: germline.
Comment: This c.907_909del (p.Glu303del) variant has been detected in 10 heterozygous individuals in the ExAC population database and leads to the deletion of a glutamine at amino acid position 303 of the TOR1A protein. This c.907_909del (p.Glu303del) variant has been reported in multiple patients with dystonia [PMID 9288096, 22976004, 22226333, 25403864, 22770546]. Functional assays and in vivo animal models demonstrated that this deletion affect the function of the protein [ PMID 18940237, 24930953, 19651773, 24951854, 19339278]. This variant is thus classified as pathogenic.

HudsonAlpha Institute for Biotechnology
Classification: Likely pathogenic for Early-onset generalized limb-onset dystonia. Last evaluated: 2018-05-10. Review status: criteria provided, single submitter. Criteria: ACMG Guidelines, 2015. Collection method: research. Allele origin: unknown. Observed: 1 variant allele. Study: CSER-HudsonAlpha.

Eurofins Ntd Llc (ga)
Classification: Pathogenic. Last evaluated: 2018-03-21. Review status: criteria provided, single submitter. Criteria: EGL ClinVar v180209 classification definitions. Collection method: clinical testing. Allele origin: germline. Observed: 1 variant allele, 1 heterozygote.

Juno Genomics, Hangzhou Juno Genomics, Inc
Classification: Pathogenic for Arthrogryposis multiplex congenita 5; Early-onset generalized limb-onset dystonia. Review status: criteria provided, single submitter. Criteria: ACMG Guidelines, 2015. Collection method: clinical testing. Allele origin: germline. Affected: yes.
Comment: Absent from controls (or at extremely low frequency if recessive) in Genome Aggregation Database.;Protein length changes due to in-frame deletions/insertions in a non-repeat region or stop-loss variants.;The prevalence of the variant in affected individuals is significantly increased compared to the prevalence in controls.;Assumed de novo, but without confirmation of paternity and maternity.;For recessive disorders, detected in trans with a pathogenic variant.;Well-established in vitro or in vivo functional studies supportive of a damaging effect on the gene or gene product.